The following is an entry in ClinVar:

ClinVar aggregate classification (germline): Uncertain significance (1 of 4 stars; one submission).

Conditions:
Charcot-Marie-Tooth disease type 4. Also called: Charcot-Marie-Tooth, Type 4; Charcot-Marie-Tooth disease, type IV. Identifiers: Orphanet 64749, MedGen C4082197, MONDO:0018995.

Allele frequency attached by ClinVar (database versions not stated): gnomAD 0.00001; TOPMed 0.00001.
gnomAD v4.1: 10 of 1,613,848 alleles (0.00062%); highest among the groups gnomAD compares: Non-Finnish European, 0.00076%; no homozygotes.

Submission:

Labcorp Genetics (formerly Invitae), Labcorp
Classification: Uncertain significance for Charcot-Marie-Tooth disease type 4. Last evaluated: 2019-06-22. Review status: criteria provided, single submitter. Criteria: Invitae Variant Classification Sherloc (09022015). Collection method: clinical testing. Allele origin: germline.
Comment: Algorithms developed to predict the effect of sequence changes on RNA splicing suggest that this variant may create or strengthen a splice site, but this prediction has not been confirmed by published transcriptional studies. In summary, the available evidence is currently insufficient to determine the role of this variant in disease. Therefore, it has been classified as a Variant of Uncertain Significance. Algorithms developed to predict the effect of missense changes on protein structure and function are either unavailable or do not agree on the potential impact of this missense change (SIFT: "Deleterious"; PolyPhen-2: "Possibly Damaging"; Align-GVGD: "Class C0"). This variant has not been reported in the literature in individuals with SBF2-related conditions. This variant is not present in population databases (ExAC no frequency). This sequence change replaces serine with arginine at codon 796 of the SBF2 protein (p.Ser796Arg). The serine residue is highly conserved and there is a moderate physicochemical difference between serine and arginine.

NM_030962.4(SBF2):c.2388C>G (p.Ser796Arg)

Genes: SBF2 (SET binding factor 2; minus strand), LOC101928008 (uncharacterized LOC101928008; plus strand). Cytogenetic location: 11p15.4.
Variant type: single nucleotide variant.
Coding change: c.2388C>G on transcript NM_030962.4 (MANE Select); coding-DNA position 2388, C replaced by G.
Protein change: p.Ser796Arg; replaces serine 796 with arginine.
Molecular consequence: missense variant.
Genome position (GRCh38, 1-based): chr11:9,853,688, G>C on the plus strand (C>G on the coding strand, the complement: SBF2 is on the minus strand). VCF-style: chr11-9853688-G-C. GRCh37 (hg19) VCF-style: chr11-9875235-G-C.
Other names: c.2388C>G, p.Ser796Arg (NM_001386339.1); c.2259C>G, p.Ser753Arg (NM_001386342.1); short protein forms S796R, S753R.
Identifiers: ClinVar variation 946829 (VCV000946829.9), dbSNP rs1857121600, ClinGen allele CA379638613.